The following is an entry in ClinVar:

NM_020911.2(PLXNA4):c.4177G>A (p.Val1393Met)

Gene: PLXNA4 (plexin A4; minus strand). Cytogenetic location: 7q32.3.
Variant type: single nucleotide variant.
Coding change: c.4177G>A on transcript NM_020911.2 (MANE Select); coding-DNA position 4177, G replaced by A.
Protein change: p.Val1393Met; replaces valine 1393 with methionine.
Molecular consequence: missense variant.
Genome position (GRCh38, 1-based): chr7:132,168,413, C>T on the plus strand (G>A on the coding strand, the complement: PLXNA4 is on the minus strand). VCF-style: chr7-132168413-C-T. GRCh37 (hg19) VCF-style: chr7-131853172-C-T.
Other names: c.4177G>A, p.Val1393Met (NM_001393897.1); short protein forms V1393M.
Identifiers: ClinVar variation 3357675 (VCV003357675.2).

ClinVar aggregate classification (germline): Uncertain significance (1 of 4 stars; one submission).

Conditions:
PLXNA4-related disorder. Also called: PLXNA4-related condition.

gnomAD v4.1: 77 of 1,613,748 alleles (0.0048%); highest among the groups gnomAD compares: Non-Finnish European, 0.006%; no homozygotes.

Submission:

PreventionGenetics, part of Exact Sciences
Classification: Uncertain significance for PLXNA4-related condition. Last evaluated: 2026-03-24. Review status: criteria provided, single submitter. Criteria: ACMG Guidelines, 2015. Collection method: clinical testing. Allele origin: germline.
Comment: The PLXNA4 c.4177G>A variant is predicted to result in the amino acid substitution p.Val1393Met. To our knowledge, this variant has not been reported in the literature. This variant is reported in 0.0047% of alleles in individuals of European (non-Finnish) descent in gnomAD. At this time, the clinical significance of this variant is uncertain due to the absence of conclusive functional and genetic evidence.